The following is an entry in ClinVar:

NM_000135.4(FANCA):c.2932C>A (p.Gln978Lys)

Gene: FANCA (FA complementation group A; minus strand). Cytogenetic location: 16q24.3.
Variant type: single nucleotide variant.
Coding change: c.2932C>A on transcript NM_000135.4 (MANE Select); coding-DNA position 2932, C replaced by A.
Protein change: p.Gln978Lys; replaces glutamine 978 with lysine.
Molecular consequence: missense variant.
Genome position (GRCh38, 1-based): chr16:89,758,626, G>T on the plus strand (C>A on the coding strand, the complement: FANCA is on the minus strand). VCF-style: chr16-89758626-G-T. GRCh37 (hg19) VCF-style: chr16-89825034-G-T.
Other names: c.2932C>A, p.Gln978Lys (NM_001286167.3); short protein forms Q978K.
Identifiers: ClinVar variation 4254325 (VCV004254325.1).
Genomic context (GRCh38, chr16:89,758,626, plus strand): 5'-GTGCTGCTAACCTTTGGTGGAAATCCATCAGTGCGTTGACAAGAATGGTACACGCAGCCT[G>T]CAGGTCTCCGTCACAGCCCCCTGAAGCCGAGGACTCAGGGAGAAAGTGCTCATGGATCGC-3'
Protein context (NP_000126.2, residues 968-988): SASGGCDGDL[Gln978Lys]AACTILVNAL

ClinVar aggregate classification (germline): Uncertain significance (1 of 4 stars; one submission).

Conditions:
Inborn genetic diseases. Identifiers: MedGen C0950123, MeSH D030342.

gnomAD v4.1: 1 of 1,614,042 alleles (0.000062%); highest among the groups gnomAD compares: South Asian, 0.0011%; no homozygotes.

Submission:

Ambry Genetics
Classification: Uncertain significance for Inborn genetic diseases. Last evaluated: 2025-09-01. Review status: criteria provided, single submitter. Criteria: Ambry Variant Classification Scheme 2023. Collection method: clinical testing. Allele origin: germline.
Comment: The p.Q978K variant (also known as c.2932C>A), located in coding exon 30 of the FANCA gene, results from a C to A substitution at nucleotide position 2932. The glutamine at codon 978 is replaced by lysine, an amino acid with similar properties. This amino acid position is conserved. In addition, this alteration is predicted to be tolerated by in silico analysis. Based on the available evidence, the clinical significance of this variant remains unclear.